The following is an entry in ClinVar:

NM_000092.5(COL4A4):c.3908dup (p.Gly1304fs)

Gene: COL4A4 (collagen type IV alpha 4 chain; minus strand). Cytogenetic location: 2q36.3.
Variant type: Duplication.
Coding change: c.3908dup on transcript NM_000092.5 (MANE Select); coding-DNA position 3908, one base duplicated (C; older notation c.3908dupC).
Protein change: p.Gly1304fs; shifts the reading frame from glycine 1304.
Molecular consequence: frameshift variant.
Genome position (GRCh38, 1-based): chr2:227,030,508, G duplicated on the plus strand (C on the coding strand, the reverse complement: COL4A4 is on the minus strand); the first of 5 consecutive G bases (chr2:227,030,508-227,030,512); duplicating any one gives the same sequence. VCF-style (leftmost placement, unchanged base first): chr2-227030507-A-AG. GRCh37 (hg19) VCF-style: chr2-227895223-A-AG.
Other names: short protein forms G1304fs.
Identifiers: ClinVar variation 4759231 (VCV004759231.1).

ClinVar aggregate classification (germline): Likely pathogenic (1 of 4 stars; one submission).

Conditions:
Autosomal dominant COL4A4-related disorders.

Submission:

Variantyx, Inc.
Classification: Likely pathogenic for Autosomal dominant COL4A4-related disorders. Last evaluated: 2025-03-15. Review status: criteria provided, single submitter. Criteria: Variantyx Assertion Criteria 2022. Collection method: clinical testing. Allele origin: germline. Affected: yes.
Comment: This is a frameshift variant in the COL4A4 gene (OMIM: 120131). Pathogenic variants in this gene have been associated with autosomal dominant COL4A4-related disorders. This variant introduces a premature termination codon in exon 41 out of 48. It is expected to result in loss of function, which is a known disease mechanism for COL4A4 in this disorder (PMID: 25307543) (PVS1). This variant is absent from control populations (PM2_Supporting). This variant has not been reported in individuals with COL4A4-related disorders in the databases available for review. Based on the current evidence, this variant is classified as likely pathogenic for autosomal dominant COL4A4-related disorders.